The following is an entry in ClinVar:

ClinVar aggregate classification (germline): Pathogenic/Likely pathogenic. Review status: criteria provided, multiple submitters, no conflicts (2 of 4 stars). 3 submissions from 3 submitters: Pathogenic (1); Likely pathogenic (1). 1 of the submissions does not count toward it. Last evaluated 2025-02-05.

Conditions:
Retinitis pigmentosa 7 (RP7). Identifiers: Orphanet 791, MedGen C1842475, MONDO:0011974, OMIM 608133.
PRPH2-related disorder. Also called: PRPH2-related disorders; PRPH2-related condition. Identifiers: MedGen CN239395.

Submissions (3):

SingHealth Duke-NUS Institute of Precision Medicine
Classification: Likely pathogenic for Retinitis pigmentosa 7. Last evaluated: 2025-02-05. Review status: criteria provided, single submitter. Criteria: PRISM ACMG Classification Criteria. Collection method: clinical testing. Allele origin: germline. Affected: yes.
Comment: REVEL score is 0.956 (PP3_str). Variant is located in a mutational hotspot where >50% of variants are pathogenic (PM1). Variant is not found in gnomAD exomes and genomes (PM2). Other changes to this amino acid residue have been classified as pathogenic (PM5, p.Trp246Arg, p.Trp246Ser)

Labcorp Genetics (formerly Invitae), Labcorp
Classification: Pathogenic for PRPH2-related disorder. Last evaluated: 2023-12-31. Review status: criteria provided, single submitter. Criteria: Invitae Variant Classification Sherloc (09022015). Collection method: clinical testing. Allele origin: germline.
Comment: This sequence change replaces tryptophan, which is neutral and slightly polar, with cysteine, which is neutral and slightly polar, at codon 246 of the PRPH2 protein (p.Trp246Cys). This variant is not present in population databases (gnomAD no frequency). This missense change has been observed in individual(s) with clinical features of PRPH2-related conditions (PMID: 25447119, 34411390, 36460718). It has also been observed to segregate with disease in related individuals. ClinVar contains an entry for this variant (Variation ID: 1175271). Advanced modeling of protein sequence and biophysical properties (such as structural, functional, and spatial information, amino acid conservation, physicochemical variation, residue mobility, and thermodynamic stability) performed at Invitae indicates that this missense variant is expected to disrupt PRPH2 protein function with a positive predictive value of 95%. This variant disrupts the p.Trp246 amino acid residue in PRPH2. Other variant(s) that disrupt this residue have been determined to be pathogenic (Invitae). This suggests that this residue is clinically significant, and that variants that disrupt this residue are likely to be disease-causing. For these reasons, this variant has been classified as Pathogenic.

Leiden Open Variation Database
Classification: Likely pathogenic. Last evaluated: 2021-04-06. Review status: no assertion criteria provided. Collection method: curation. Allele origin: germline. Affected: yes. Not counted in ClinVar's aggregate classification.
Comment: Curator: Global Variome, with Curator vacancy. Submitter to LOVD: Manon Peeters.

Literature cited by the submitters: PubMed 25447119 (cited by Labcorp Genetics (formerly Invitae), Labcorp and Leiden Open Variation Database); PubMed 34411390 (cited by Labcorp Genetics (formerly Invitae), Labcorp); PubMed 36460718 (cited by Labcorp Genetics (formerly Invitae), Labcorp).

NM_000322.5(PRPH2):c.738G>C (p.Trp246Cys)

Gene: PRPH2 (peripherin 2; minus strand). Cytogenetic location: 6p21.1.
Variant type: single nucleotide variant.
Coding change: c.738G>C on transcript NM_000322.5 (MANE Select); coding-DNA position 738, G replaced by C.
Protein change: p.Trp246Cys; replaces tryptophan 246 with cysteine.
Molecular consequence: missense variant.
Genome position (GRCh38, 1-based): chr6:42,704,455, C>G on the plus strand (G>C on the coding strand, the complement: PRPH2 is on the minus strand). VCF-style: chr6-42704455-C-G. GRCh37 (hg19) VCF-style: chr6-42672193-C-G.
Other names: short protein forms W246C.
Identifiers: ClinVar variation 1175271 (VCV001175271.5), dbSNP rs1800111659, ClinGen allele CA364135031.
Genomic context (GRCh38, chr6:42,704,455, plus strand): 5'-ACCCATGGAGTTCATGAGGCTGCTGTAGTAGCTCAGCAGGGCAGCCCTGCAGCCACGCAC[C>G]CACAGGTTGAGCTCCTCCGTCTGGTGGTCGTAACTGTAGTGTGCTGAGTTGTTGGTGATC-3'
Protein context (NP_000313.2, residues 236-256): YDHQTEELNL[Trp246Cys]VRGCRAALLS